The following is an entry in ClinVar:

ClinVar aggregate classification (germline): Uncertain significance. Review status: criteria provided, multiple submitters, no conflicts (2 of 4 stars). 5 submissions from 5 submitters: Uncertain significance (5). Last evaluated 2025-09-01.

Conditions:
Epidermolysis bullosa simplex 5B, with muscular dystrophy (EBS5B). Also called: Epidermolysis bullosa simplex with muscular dystrophy; EPIDERMOLYSIS BULLOSA SIMPLEX AND LIMB-GIRDLE MUSCULAR DYSTROPHY. Identifiers: Orphanet 257, MedGen C2931072, MONDO:0009181, OMIM 226670.
Epidermolysis bullosa simplex, Ogna type (EBS5A). Also called: Pidermolysis bullosa simplex 5A, Ogna type; EPIDERMOLYSIS BULLOSA SIMPLEX 5A, OGNA TYPE. Identifiers: Orphanet 79401, MedGen C0432317, MONDO:0007555, OMIM 131950.
Autosomal recessive limb-girdle muscular dystrophy type 2Q (LGMDR17). Also called: MUSCULAR DYSTROPHY, LIMB-GIRDLE, AUTOSOMAL RECESSIVE 17. Identifiers: Orphanet 254361, MedGen C3150989, MONDO:0013390, OMIM 613723.
Epidermolysis bullosa simplex 5C, with pyloric atresia (EBS5C). Also called: PLEC-Related Epidermolysis Bullosa with Pyloric Atresia; Epidermolysis bullosa simplex with pyloric atresia; PLEC1-Related Epidermolysis Bullosa with Pyloric Atresia. Identifiers: Orphanet 158684, MedGen C2677349, MONDO:0012807, OMIM 612138.
Epidermolysis bullosa simplex with nail dystrophy (EBS5D). Identifiers: MedGen C4225309, MONDO:0014661, OMIM 616487.
Inborn genetic diseases. Identifiers: MedGen C0950123, MeSH D030342.

Allele frequency attached by ClinVar (database versions not stated): TOPMed 0.00004; gnomAD 0.00005; ExAC 0.00008; gnomAD exomes 0.00012; ESP Exome Variant Server 0.00017.
gnomAD v4.1: 259 of 1,601,064 alleles (0.016%); highest among the groups gnomAD compares: Admixed American, 0.02%; no homozygotes.

Submissions (5):

CeGaT Center for Human Genetics Tuebingen
Classification: Uncertain significance. Last evaluated: 2025-09-01. Review status: criteria provided, single submitter. Criteria: CeGaT Center For Human Genetics Tuebingen Variant Classification Criteria Version 2. Collection method: clinical testing. Allele origin: germline. Affected: yes. Observed: 2 variant alleles.
Comment: PLEC: PM2

Labcorp Genetics (formerly Invitae), Labcorp
Classification: Uncertain significance for Autosomal recessive limb-girdle muscular dystrophy type 2Q; Epidermolysis bullosa simplex, Ogna type; Epidermolysis bullosa simplex with nail dystrophy; Epidermolysis bullosa simplex 5C, with pyloric atresia; Epidermolysis bullosa simplex 5B, with muscular dystrophy. Last evaluated: 2025-08-29. Review status: criteria provided, single submitter. Criteria: Invitae Variant Classification Sherloc (09022015). Collection method: clinical testing. Allele origin: germline.
Comment: This sequence change replaces arginine, which is basic and polar, with glutamine, which is neutral and polar, at codon 2175 of the PLEC protein (p.Arg2175Gln). This variant is present in population databases (rs199821611, gnomAD 0.02%). This variant has not been reported in the literature in individuals affected with PLEC-related conditions. ClinVar contains an entry for this variant (Variation ID: 955734). An algorithm developed to predict the effect of missense changes on protein structure and function (PolyPhen-2) suggests that this variant is likely to be tolerated. In summary, the available evidence is currently insufficient to determine the role of this variant in disease. Therefore, it has been classified as a Variant of Uncertain Significance.

Ambry Genetics
Classification: Uncertain significance for Inborn genetic diseases. Last evaluated: 2025-07-15. Review status: criteria provided, single submitter. Criteria: Ambry Variant Classification Scheme 2023. Collection method: clinical testing. Allele origin: germline.

Revvity Omics, Revvity
Classification: Uncertain significance. Last evaluated: 2019-01-11. Review status: criteria provided, single submitter. Criteria: ACMG Guidelines, 2015. Collection method: clinical testing. Allele origin: germline.

Breakthrough Genomics
Classification: Uncertain significance. Review status: criteria provided, single submitter. Criteria: ACMG Guidelines, 2015. Collection method: not provided. Allele origin: germline. Inheritance: Autosomal recessive inheritance. Affected: yes.

NM_201384.3(PLEC):c.6443G>A (p.Arg2148Gln)

Gene: PLEC (plectin; minus strand). Cytogenetic location: 8q24.3.
Variant type: single nucleotide variant.
Coding change: c.6443G>A on transcript NM_201384.3 (MANE Select); coding-DNA position 6443, G replaced by A.
Protein change: p.Arg2148Gln; replaces arginine 2148 with glutamine.
Molecular consequence: missense variant.
Genome position (GRCh38, 1-based): chr8:143,923,486, C>T on the plus strand (G>A on the coding strand, the complement: PLEC is on the minus strand). VCF-style: chr8-143923486-C-T. GRCh37 (hg19) VCF-style: chr8-144997654-C-T.
Other names: c.6524G>A, p.Arg2175Gln (NM_000445.5); c.6401G>A, p.Arg2134Gln (NM_201378.4); c.6377G>A, p.Arg2126Gln (NM_201379.3); c.6854G>A, p.Arg2285Gln (NM_201380.4); c.6347G>A, p.Arg2116Gln (NM_201381.3); c.6443G>A, p.Arg2148Gln (NM_201382.4); c.6455G>A, p.Arg2152Gln (NM_201383.3); c.6524G>A (NM_000445.3); short protein forms R2126Q, R2148Q, R2175Q, R2116Q, R2152Q, R2134Q, R2285Q.
Identifiers: ClinVar variation 955734 (VCV000955734.39), dbSNP rs199821611, ClinGen allele CA4925989.